The following is an entry in ClinVar:

NM_001145358.2(SIN3A):c.275A>G (p.Gln92Arg)

Gene: SIN3A (SIN3 transcription regulator family member A; minus strand). Cytogenetic location: 15q24.2.
Variant type: single nucleotide variant.
Coding change: c.275A>G on transcript NM_001145358.2 (MANE Select); coding-DNA position 275, A replaced by G.
Protein change: p.Gln92Arg; replaces glutamine 92 with arginine.
Molecular consequence: missense variant.
Genome position (GRCh38, 1-based): chr15:75,422,738, T>C on the plus strand (A>G on the coding strand, the complement: SIN3A is on the minus strand). VCF-style: chr15-75422738-T-C. GRCh37 (hg19) VCF-style: chr15-75715079-T-C.
Other names: c.275A>G, p.Gln92Arg (NM_001145357.2, NM_015477.3); short protein forms Q92R.
Identifiers: ClinVar variation 1686669 (VCV001686669.2), dbSNP rs2141541020, ClinGen allele CA393458628.
Genomic context (GRCh38, chr15:75,422,738, plus strand): 5'-ACTGGTGCAACTGGTGGGGCTGGATGAGCATGACTCTGGACCACCTGGCCTCCGTGGGGC[T>C]GCACCGCTGTTGGGTGATGATGGCTGCTATGAACTGCTGCTATAGCGGGCCCATGACTGC-3'
Protein context (NP_001138830.1, residues 82-102): HSSHHHPTAV[Gln92Arg]PHGGQVVQSH

ClinVar aggregate classification (germline): Uncertain significance (1 of 4 stars; one submission).

Submission:

GeneDx
Classification: Uncertain significance. Last evaluated: 2022-05-22. Review status: criteria provided, single submitter. Criteria: GeneDx Variant Classification Process June 2021. Collection method: clinical testing. Allele origin: germline. Affected: yes.
Comment: Not observed in large population cohorts (gnomAD); In silico analysis supports that this missense variant does not alter protein structure/function; Has not been previously published as pathogenic or benign to our knowledge